The following is an entry in ClinVar:

ClinVar aggregate classification (germline): Benign/Likely benign. Review status: criteria provided, multiple submitters, no conflicts (2 of 4 stars). 4 submissions from 4 submitters: Benign (1); Likely benign (3). Last evaluated 2025-09-14.

Conditions:
Familial adenomatous polyposis 1 (FAP1). Also called: POLYPOSIS, ADENOMATOUS INTESTINAL; FAMILIAL ADENOMATOUS POLYPOSIS 1, ATTENUATED. Identifiers: MedGen C2713442, MONDO:0021056, OMIM 175100. Disease mechanism: loss of function.
Hereditary cancer-predisposing syndrome. Also called: Hereditary neoplastic syndrome; Neoplastic Syndromes, Hereditary; Tumor predisposition; Hereditary Cancer Syndrome. Identifiers: Orphanet 140162, MedGen C0027672, MeSH D009386, MONDO:0015356.

gnomAD v4.1: 1 of 1,612,968 alleles (0.000062%); no homozygotes.

Submissions (4):

Labcorp Genetics (formerly Invitae), Labcorp
Classification: Likely benign for Familial adenomatous polyposis 1. Last evaluated: 2025-09-14. Review status: criteria provided, single submitter. Criteria: Invitae Variant Classification Sherloc (09022015). Collection method: clinical testing. Allele origin: germline.

Myriad Genetics, Inc.
Classification: Benign for Familial adenomatous polyposis 1. Last evaluated: 2024-02-26. Review status: criteria provided, single submitter. Criteria: Myriad Autosomal Dominant, Autosomal Recessive and X-Linked Classification Criteria (2023). Collection method: clinical testing. Allele origin: unknown.
Comment: This variant is considered benign. This variant is a silent/synonymous amino acid change and it is not expected to impact splicing.

Color Diagnostics, LLC DBA Color Health
Classification: Likely benign for Hereditary cancer-predisposing syndrome. Last evaluated: 2023-09-24. Review status: criteria provided, single submitter. Criteria: ACMG Guidelines, 2015. Collection method: clinical testing. Allele origin: germline.

Ambry Genetics
Classification: Likely benign for Hereditary cancer-predisposing syndrome. Last evaluated: 2022-09-25. Review status: criteria provided, single submitter. Criteria: Ambry Variant Classification Scheme 2023. Collection method: clinical testing. Allele origin: germline.

NM_000038.6(APC):c.777G>C (p.Arg259=)

Gene: APC (APC regulator of Wnt signaling pathway; plus strand). Cytogenetic location: 5q22.2.
Variant type: single nucleotide variant.
Coding change: c.777G>C on transcript NM_000038.6 (MANE Select); coding-DNA position 777, G replaced by C.
Protein change: p.Arg259=; no amino-acid change (arginine 259 retained).
Molecular consequence: synonymous variant. On other transcripts: 5 prime UTR variant (1).
Genome position (GRCh38, 1-based): chr5:112,801,326, G>C. VCF-style: chr5-112801326-G-C. GRCh37 (hg19) VCF-style: chr5-112137023-G-C.
Other names: c.777G>C, p.Arg259= (NM_001127510.3, NM_001354895.2, NM_001354896.2 and 1 more transcripts); c.723G>C, p.Arg241= (NM_001127511.3); c.807G>C, p.Arg269= (NM_001354897.2, NM_001354902.2); c.702G>C, p.Arg234= (NM_001354898.2, NM_001354904.2); c.693G>C, p.Arg231= (NM_001354899.2); c.600G>C, p.Arg200= (NM_001354900.2, NM_001354901.2, NM_001354905.2); c.-259G>C (NM_001354906.2).
Identifiers: ClinVar variation 470110 (VCV000470110.13), dbSNP rs147704593, ClinGen allele CA445755629.